The following is an entry in ClinVar:

NM_145725.3(TRAF3):c.79G>C (p.Ala27Pro)

Gene: TRAF3 (TNF receptor associated factor 3; plus strand). Cytogenetic location: 14q32.32.
Variant type: single nucleotide variant.
Coding change: c.79G>C on transcript NM_145725.3 (MANE Select); coding-DNA position 79, G replaced by C.
Protein change: p.Ala27Pro; replaces alanine 27 with proline.
Molecular consequence: missense variant.
Genome position (GRCh38, 1-based): chr14:102,870,280, G>C. VCF-style: chr14-102870280-G-C. GRCh37 (hg19) VCF-style: chr14-103336617-G-C.
Other names: c.79G>C, p.Ala27Pro (NM_001199427.2, NM_001385142.1, NM_001385143.1 and 2 more transcripts); short protein forms A27P.
Identifiers: ClinVar variation 2197071 (VCV002197071.4), dbSNP rs759772207, ClinGen allele CA7359153.

ClinVar aggregate classification (germline): Uncertain significance (1 of 4 stars; one submission).

Conditions:
Immunodeficiency 132A. Also called: Herpes simplex encephalitis, susceptibility to, 3. Identifiers: Orphanet 1930, MedGen C3553868, MONDO:0013920, OMIM 614849.

Allele frequency attached by ClinVar (database versions not stated): TOPMed below 0.00001; ExAC 0.00002; gnomAD 0.00002; gnomAD exomes 0.00003.
gnomAD v4.1: 49 of 1,614,096 alleles (0.003%); highest among the groups gnomAD compares: East Asian, 0.11%; no homozygotes.

Submission:

Labcorp Genetics (formerly Invitae), Labcorp
Classification: Uncertain significance for Immunodeficiency 132A. Last evaluated: 2022-03-15. Review status: criteria provided, single submitter. Criteria: Invitae Variant Classification Sherloc (09022015). Collection method: clinical testing. Allele origin: germline.
Comment: In summary, the available evidence is currently insufficient to determine the role of this variant in disease. Therefore, it has been classified as a Variant of Uncertain Significance. Algorithms developed to predict the effect of missense changes on protein structure and function output the following: SIFT: "Tolerated"; PolyPhen-2: "Benign"; Align-GVGD: "Class C0". The proline amino acid residue is found in multiple mammalian species, which suggests that this missense change does not adversely affect protein function. This variant has not been reported in the literature in individuals affected with TRAF3-related conditions. This variant is present in population databases (rs759772207, gnomAD 0.05%). This sequence change replaces alanine, which is neutral and non-polar, with proline, which is neutral and non-polar, at codon 27 of the TRAF3 protein (p.Ala27Pro).